The following is an entry in ClinVar:

ClinVar aggregate classification (germline): Uncertain significance (1 of 4 stars; one submission).

Allele frequency attached by ClinVar (database versions not stated): gnomAD exomes below 0.00001.
gnomAD v4.1: 1 of 1,607,806 alleles (0.000062%); highest among the groups gnomAD compares: Admixed American, 0.0017%; no homozygotes.

Submission:

Ambry Genetics
Classification: Uncertain significance. Last evaluated: 2022-12-29. Review status: criteria provided, single submitter. Criteria: Ambry Variant Classification Scheme 2023. Collection method: clinical testing. Allele origin: germline.
Comment: The p.K1024E variant (also known as c.3070A>G), located in coding exon 16 of the POLQ gene, results from an A to G substitution at nucleotide position 3070. The lysine at codon 1024 is replaced by glutamic acid, an amino acid with similar properties. This amino acid position is conserved. In addition, this alteration is predicted to be tolerated by in silico analysis. Since supporting evidence is limited at this time, the clinical significance of this alteration remains unclear.

NM_199420.4(POLQ):c.3070A>G (p.Lys1024Glu)

Gene: POLQ (DNA polymerase theta; minus strand). Cytogenetic location: 3q13.33.
Variant type: single nucleotide variant.
Coding change: c.3070A>G on transcript NM_199420.4 (MANE Select); coding-DNA position 3070, A replaced by G.
Protein change: p.Lys1024Glu; replaces lysine 1024 with glutamic acid.
Molecular consequence: missense variant.
Genome position (GRCh38, 1-based): chr3:121,489,861, T>C on the plus strand (A>G on the coding strand, the complement: POLQ is on the minus strand). VCF-style: chr3-121489861-T-C. GRCh37 (hg19) VCF-style: chr3-121208708-T-C.
Other names: short protein forms K1024E.
Identifiers: ClinVar variation 2448963 (VCV002448963.2), dbSNP rs2546787849, ClinGen allele CA354103162.
Genomic context (GRCh38, chr3:121,489,861, plus strand): 5'-GTTTCCAAGATCGAAAACTTCTGCTCATCTTTTCTGAATTGAAATTCAAAGGTGCCTTTT[T>C]TGTTTTCTGTGAAAAAGTCTGAACAACTTTCTTATCACTTGTTTTCCCCTCATTCTGAGA-3'
Protein context (NP_955452.3, residues 1014-1034): KVVQTFSQKT[Lys1024Glu]KAPLNFNSEK